The following is an entry in ClinVar:

NM_000135.4(FANCA):c.3973G>C (p.Asp1325His)

Genes: ZNF276 (zinc finger protein 276; plus strand), FANCA (FA complementation group A; minus strand). Cytogenetic location: 16q24.3.
Variant type: single nucleotide variant.
Coding change: c.3973G>C on transcript NM_000135.4 (MANE Select); coding-DNA position 3973, G replaced by C.
Protein change: p.Asp1325His; replaces aspartic acid 1325 with histidine.
Molecular consequence: missense variant. On other transcripts: 3 prime UTR variant (2), non-coding transcript variant (4).
Genome position (GRCh38, 1-based): chr16:89,739,515, C>G on the plus strand (G>C on the coding strand, the complement: FANCA is on the minus strand). VCF-style: chr16-89739515-C-G. GRCh37 (hg19) VCF-style: chr16-89805923-C-G.
Other names: c.3973G>C, p.Asp1325His (NM_001286167.3); c.*1269C>G (NM_001113525.2, NM_152287.4); short protein forms D1325H.
Identifiers: ClinVar variation 974361 (VCV000974361.1), dbSNP rs2062069547, ClinGen allele CA397484810.

ClinVar aggregate classification (germline): Pathogenic (0 of 4 stars; one submission).

Conditions:
Fanconi anemia complementation group A (FANCA). Also called: Fanconi anemia, group A; FANCA-Related Fanconi Anemia. Identifiers: Orphanet 84, MedGen C3469521, MONDO:0009215, OMIM 227650.

Submission:

Leiden Open Variation Database
Classification: Pathogenic for Fanconi anemia complementation group A. Last evaluated: 2020-02-28. Review status: no assertion criteria provided. Collection method: curation. Allele origin: germline. Affected: yes.
Comment: Curator: Arleen D. Auerbach. Submitter to LOVD: Arleen D. Auerbach.